The following is an entry in ClinVar:

ClinVar aggregate classification (germline): Uncertain significance (1 of 4 stars; one submission).

Submission:

Labcorp Genetics (formerly Invitae), Labcorp
Classification: Uncertain significance. Last evaluated: 2025-05-15. Review status: criteria provided, single submitter. Criteria: Invitae Variant Classification Sherloc (09022015). Collection method: clinical testing. Allele origin: germline.
Comment: This sequence change replaces arginine, which is basic and polar, with serine, which is neutral and polar, at codon 682 of the DHX37 protein (p.Arg682Ser). This variant is not present in population databases (gnomAD no frequency). This variant has not been reported in the literature in individuals affected with DHX37-related conditions. An algorithm developed to predict the effect of missense changes on protein structure and function (PolyPhen-2) suggests that this variant is likely to be disruptive. In summary, the available evidence is currently insufficient to determine the role of this variant in disease. Therefore, it has been classified as a Variant of Uncertain Significance.

NM_032656.4(DHX37):c.2046G>C (p.Arg682Ser)

Gene: DHX37 (DEAH-box helicase 37; minus strand). Cytogenetic location: 12q24.31.
Variant type: single nucleotide variant.
Coding change: c.2046G>C on transcript NM_032656.4 (MANE Select); coding-DNA position 2046, G replaced by C.
Protein change: p.Arg682Ser; replaces arginine 682 with serine.
Molecular consequence: missense variant.
Genome position (GRCh38, 1-based): chr12:124,960,423, C>G on the plus strand (G>C on the coding strand, the complement: DHX37 is on the minus strand). VCF-style: chr12-124960423-C-G. GRCh37 (hg19) VCF-style: chr12-125444969-C-G.
Other names: short protein forms R682S.
Identifiers: ClinVar variation 4718152 (VCV004718152.1).